The following is an entry in ClinVar:

ClinVar aggregate classification (germline): Benign. Review status: criteria provided, multiple submitters, no conflicts (2 of 4 stars). 2 submissions from 2 submitters: Benign (2). Last evaluated 2018-06-14.

Allele frequency attached by ClinVar (database versions not stated): ESP Exome Variant Server 0.07928; TOPMed 0.08450; 1000 Genomes Project 0.10343; 1000 Genomes Project 30x 0.10462.

Submissions (2):

GeneDx
Classification: Benign. Last evaluated: 2018-06-14. Review status: criteria provided, single submitter. Criteria: GeneDx Variant Classification (06012015). Collection method: clinical testing. Allele origin: germline. Affected: yes.
Comment: This variant is considered likely benign or benign based on one or more of the following criteria: it is a conservative change, it occurs at a poorly conserved position in the protein, it is predicted to be benign by multiple in silico algorithms, and/or has population frequency not consistent with disease.

Breakthrough Genomics
Classification: Benign. Review status: criteria provided, single submitter. Criteria: ACMG Guidelines, 2015. Collection method: not provided. Allele origin: germline. Inheritance: Autosomal dominant inheritance. Affected: yes.

NM_000093.5(COL5A1):c.4609-77G>C

Genes: COL5A1 (collagen type V alpha 1 chain; plus strand), LOC101448202 (uncharacterized LOC101448202; minus strand). Cytogenetic location: 9q34.3.
Variant type: single nucleotide variant.
Coding change: c.4609-77G>C on transcript NM_000093.5 (MANE Select); 77 bases into the intron before coding-DNA position 4609, G replaced by C.
Molecular consequence: intron variant.
Genome position (GRCh38, 1-based): chr9:134,822,921, G>C. VCF-style: chr9-134822921-G-C. GRCh37 (hg19) VCF-style: chr9-137714767-G-C.
Other names: c.4609-77G>C (NM_001278074.1).
Identifiers: ClinVar variation 673593 (VCV000673593.2), dbSNP rs7036997, ClinGen allele CA13040931.